The following is an entry in ClinVar:

ClinVar aggregate classification (germline): Uncertain significance (1 of 4 stars; one submission).

Allele frequency attached by ClinVar (database versions not stated): gnomAD 0.00001; ExAC 0.00002; gnomAD exomes 0.00002; TOPMed 0.00003.

Submission:

Labcorp Genetics (formerly Invitae), Labcorp
Classification: Uncertain significance. Last evaluated: 2025-04-16. Review status: criteria provided, single submitter. Criteria: Invitae Variant Classification Sherloc (09022015). Collection method: clinical testing. Allele origin: germline.
Comment: This sequence change replaces glutamic acid, which is acidic and polar, with lysine, which is basic and polar, at codon 267 of the CABP4 protein (p.Glu267Lys). This variant also falls at the last nucleotide of exon 5, which is part of the consensus splice site for this exon. This variant is present in population databases (rs752312614, gnomAD 0.01%). This variant has not been reported in the literature in individuals affected with CABP4-related conditions. ClinVar contains an entry for this variant (Variation ID: 1987092). An algorithm developed to predict the effect of missense changes on protein structure and function (PolyPhen-2) suggests that this variant is likely to be disruptive. Variants that disrupt the consensus splice site are a relatively common cause of aberrant splicing (PMID: 17576681, 9536098). In summary, the available evidence is currently insufficient to determine the role of this variant in disease. Therefore, it has been classified as a Variant of Uncertain Significance.

Literature cited by the submitters: PubMed 17576681; PubMed 9536098.

NM_145200.5(CABP4):c.799G>A (p.Glu267Lys)

Gene: CABP4 (calcium binding protein 4; plus strand). Cytogenetic location: 11q13.2.
Variant type: single nucleotide variant.
Coding change: c.799G>A on transcript NM_145200.5 (MANE Select); coding-DNA position 799, G replaced by A.
Protein change: p.Glu267Lys; replaces glutamic acid 267 with lysine.
Molecular consequence: missense variant. On other transcripts: non-coding transcript variant (1).
Genome position (GRCh38, 1-based): chr11:67,458,518, G>A. VCF-style: chr11-67458518-G-A. GRCh37 (hg19) VCF-style: chr11-67225989-G-A.
Other names: c.484G>A, p.Glu162Lys (NM_001300895.3, NM_001300896.3, NM_001379183.1); short protein forms E162K, E267K.
Identifiers: ClinVar variation 1987092 (VCV001987092.4), dbSNP rs752312614, ClinGen allele CA6140348.
Genomic context (GRCh38, chr11:67,458,518, plus strand): 5'-GAGCTGGACGAGATGCTCCGAGAAGTGGACCTCAATGGGGATGGCACCGTAGACTTTGAC[G>A]GTGAGTCTCCTTCCCGGAAAACCCTCCCGTGCTTCCAGGGCCTAGGCTGAGCCCAGCACC-3'
Protein context (NP_660201.1, residues 257-275): LNGDGTVDFD[Glu267Lys]FVMMLSRH